The following is an entry in ClinVar:

ClinVar aggregate classification (germline): Uncertain significance. Review status: criteria provided, multiple submitters, no conflicts (2 of 4 stars). 5 submissions from 5 submitters: Uncertain significance (5). Last evaluated 2026-08-05.

Conditions:
Cardiovascular phenotype. Identifiers: MedGen CN230736.
TTN-related disorder. Also called: TTN-related disorders; TTN-related condition; TTN-related disease.
Dilated cardiomyopathy 1G (CMD1G). Identifiers: Orphanet 154, MedGen C1858763, MONDO:0011400, OMIM 604145.
Hypertrophic cardiomyopathy 9. Also called: Familial hypertrophic cardiomyopathy 9. Identifiers: MedGen C1861065, MONDO:0013412, OMIM 613765.
Autosomal recessive limb-girdle muscular dystrophy type 2J (LGMDR10). Also called: MUSCULAR DYSTROPHY, LIMB-GIRDLE, AUTOSOMAL RECESSIVE 10; Limb-girdle muscular dystrophy, type 2J. Identifiers: Orphanet 140922, MedGen C1837342, MONDO:0012127, OMIM 608807.
Early-onset myopathy with fatal cardiomyopathy (CMYO5). Also called: CONGENITAL MYOPATHY 5 WITH CARDIOMYOPATHY; Salih Myopathy. Identifiers: Orphanet 289377, MedGen C2673677, MONDO:0012714, OMIM 611705. Disease mechanism: loss of function.
Tibial muscular dystrophy (TMD). Also called: Tibial muscular dystrophy, tardive; Udd Distal Myopathy – Tibial Muscular Dystrophy; UDD MYOPATHY. Identifiers: Orphanet 609, MedGen C1838244, MONDO:0010870, OMIM 600334.
Myopathy, myofibrillar, 9, with early respiratory failure (MFM9). Also called: Myopathy, distal, with early respiratory failure, autosomal dominant; Hereditary myopathy with early respiratory failure; EDSTROM MYOPATHY; MYOPATHY, PROXIMAL, WITH EARLY RESPIRATORY MUSCLE INVOLVEMENT. Identifiers: Orphanet 178464, Orphanet 34521, MedGen C1863599, MONDO:0011362, OMIM 603689.

Allele frequency attached by ClinVar (database versions not stated): gnomAD exomes 0.00001 and 0.00003; TOPMed 0.00002; gnomAD 0.00003 and 0.00004.
gnomAD v4.1: 51 of 1,613,354 alleles (0.0032%); highest among the groups gnomAD compares: Non-Finnish European, 0.0042%; no homozygotes.

Submissions (5):

PreventionGenetics, part of Exact Sciences
Classification: Uncertain significance for TTN-related condition. Last evaluated: 2026-08-05. Review status: criteria provided, single submitter. Criteria: ACMG Guidelines, 2015. Collection method: clinical testing. Allele origin: germline.
Comment: The TTN c.75954G>T variant is predicted to result in the amino acid substitution p.Lys25318Asn. To our knowledge, this variant has not been reported in the literature. This variant is reported in 0.0024% of alleles in individuals of European (Non-Finnish) descent in gnomAD. At this time, the clinical significance of this variant is uncertain due to the absence of conclusive functional and genetic evidence.

GeneDx
Classification: Uncertain significance. Last evaluated: 2024-04-05. Review status: criteria provided, single submitter. Criteria: GeneDx Variant Classification Process June 2021. Collection method: clinical testing. Allele origin: germline. Affected: yes.
Comment: Not observed at significant frequency in large population cohorts (gnomAD); Missense variant in a gene in which most reported pathogenic variants are truncating/loss-of-function; Has not been previously published as pathogenic or benign to our knowledge

Mayo Clinic Laboratories, Mayo Clinic
Classification: Uncertain significance. Last evaluated: 2022-09-15. Review status: criteria provided, single submitter. Criteria: ACMG Guidelines, 2015. Collection method: clinical testing. Allele origin: germline. Observed: 1 variant allele.
Comment: BP4

Fulgent Genetics
Classification: Uncertain significance for Tibial muscular dystrophy; Myopathy, myofibrillar, 9, with early respiratory failure; Dilated cardiomyopathy 1G; Autosomal recessive limb-girdle muscular dystrophy type 2J; Early-onset myopathy with fatal cardiomyopathy; Hypertrophic cardiomyopathy 9. Last evaluated: 2021-07-29. Review status: criteria provided, single submitter. Criteria: ACMG Guidelines, 2015. Collection method: clinical testing. Allele origin: unknown.

Ambry Genetics
Classification: Uncertain significance for Cardiovascular phenotype. Last evaluated: 2019-06-25. Review status: criteria provided, single submitter. Criteria: Ambry Variant Classification Scheme 2023. Collection method: clinical testing. Allele origin: germline.
Comment: The p.K16253N variant (also known as c.48759G>T), located in coding exon 153 of the TTN gene, results from a G to T substitution at nucleotide position 48759. The lysine at codon 16253 is replaced by asparagine, an amino acid with similar properties. This amino acid position is highly conserved in available vertebrate species. In addition, this alteration is predicted to be tolerated by in silico analysis. Since supporting evidence is limited at this time, the clinical significance of this alteration remains unclear.

NM_001267550.2(TTN):c.75954G>T (p.Lys25318Asn)

Genes: TTN (titin; minus strand), TTN-AS1 (TTN antisense RNA 1; plus strand). Cytogenetic location: 2q31.2.
Variant type: single nucleotide variant.
Coding change: c.75954G>T on transcript NM_001267550.2 (MANE Select); coding-DNA position 75954, G replaced by T.
Protein change: p.Lys25318Asn; replaces lysine 25318 with asparagine.
Molecular consequence: missense variant.
Genome position (GRCh38, 1-based): chr2:178,570,178, C>A on the plus strand (G>T on the coding strand, the complement: TTN is on the minus strand). VCF-style: chr2-178570178-C-A. GRCh37 (hg19) VCF-style: chr2-179434905-C-A.
Other names: p.Lys23677Asn; c.71031G>T, p.Lys23677Asn (NM_001256850.1); c.48759G>T, p.Lys16253Asn (NM_003319.4); c.68250G>T, p.Lys22750Asn (NM_133378.4); c.49134G>T, p.Lys16378Asn (NM_133432.3); c.49335G>T, p.Lys16445Asn (NM_133437.4); c.75954G>T (NM_001267550.1); short protein forms K16253N, K16378N, K25318N, K16445N, K22750N, K23677N.
Identifiers: ClinVar variation 669772 (VCV000669772.9), dbSNP rs1001852514, ClinGen allele CA60994596.